The following is an entry in ClinVar:

NM_001010898.4(SLC6A17):c.1065G>A (p.Leu355=)

Gene: SLC6A17 (solute carrier family 6 member 17; plus strand). Cytogenetic location: 1p13.3.
Variant type: single nucleotide variant.
Coding change: c.1065G>A on transcript NM_001010898.4 (MANE Select); coding-DNA position 1065, G replaced by A.
Protein change: p.Leu355=; no amino-acid change (leucine 355 retained).
Molecular consequence: synonymous variant.
Genome position (GRCh38, 1-based): chr1:110,192,172, G>A. VCF-style: chr1-110192172-G-A. GRCh37 (hg19) VCF-style: chr1-110734794-G-A.
Identifiers: ClinVar variation 4534521 (VCV004534521.6).

ClinVar aggregate classification (germline): Likely benign (1 of 4 stars; one submission).

Submission:

CeGaT Center for Human Genetics Tuebingen
Classification: Likely benign. Last evaluated: 2025-11-01. Review status: criteria provided, single submitter. Criteria: CeGaT Center For Human Genetics Tuebingen Variant Classification Criteria Version 2. Collection method: clinical testing. Allele origin: germline. Affected: yes. Observed: 1 variant allele.
Comment: SLC6A17: PM2:Supporting, BP4, BP7